The following is an entry in ClinVar:

ClinVar aggregate classification (germline): Uncertain significance. Review status: criteria provided, multiple submitters, no conflicts (2 of 4 stars). 2 submissions from 2 submitters: Uncertain significance (2). Last evaluated 2022-03-31.

Allele frequency attached by ClinVar (database versions not stated): gnomAD exomes below 0.00001.
gnomAD v4.1: 1 of 1,613,650 alleles (0.000062%); highest among the groups gnomAD compares: Non-Finnish European, 0.000085%; no homozygotes.

Submissions (2):

Labcorp Genetics (formerly Invitae), Labcorp
Classification: Uncertain significance. Last evaluated: 2022-03-31. Review status: criteria provided, single submitter. Criteria: Invitae Variant Classification Sherloc (09022015). Collection method: clinical testing. Allele origin: germline.
Comment: This sequence change replaces arginine, which is basic and polar, with serine, which is neutral and polar, at codon 499 of the SERPING1 protein (p.Arg499Ser). This variant is not present in population databases (gnomAD no frequency). This variant has not been reported in the literature in individuals affected with SERPING1-related conditions. Advanced modeling of protein sequence and biophysical properties (such as structural, functional, and spatial information, amino acid conservation, physicochemical variation, residue mobility, and thermodynamic stability) performed at Invitae indicates that this missense variant is not expected to disrupt SERPING1 protein function. In summary, the available evidence is currently insufficient to determine the role of this variant in disease. Therefore, it has been classified as a Variant of Uncertain Significance.

Blueprint Genetics
Classification: Uncertain significance. Last evaluated: 2021-02-16. Review status: criteria provided, single submitter. Criteria: ACMG Guidelines, 2015. Collection method: clinical testing. Allele origin: germline.

NM_000062.3(SERPING1):c.1497G>C (p.Arg499Ser)

Gene: SERPING1 (serpin family G member 1; plus strand). Cytogenetic location: 11q12.1.
Variant type: single nucleotide variant.
Coding change: c.1497G>C on transcript NM_000062.3 (MANE Select); coding-DNA position 1497, G replaced by C.
Protein change: p.Arg499Ser; replaces arginine 499 with serine.
Molecular consequence: missense variant.
Genome position (GRCh38, 1-based): chr11:57,614,575, G>C. VCF-style: chr11-57614575-G-C. GRCh37 (hg19) VCF-style: chr11-57382048-G-C.
Other names: c.1497G>C, p.Arg499Ser (NM_001032295.2); short protein forms R499S.
Identifiers: ClinVar variation 2119871 (VCV002119871.5), dbSNP rs1383385545, ClinGen allele CA380690964.